The following is an entry in ClinVar:

ClinVar aggregate classification (germline): Uncertain significance (1 of 4 stars; one submission).

Allele frequency attached by ClinVar (database versions not stated): ExAC 0.00022; gnomAD exomes 0.00035; ESP Exome Variant Server 0.00046; TOPMed 0.00025; gnomAD 0.00026.
gnomAD v4.1: 545 of 1,612,090 alleles (0.034%); highest among the groups gnomAD compares: Non-Finnish European, 0.044%; no homozygotes.

Submission:

Ambry Genetics
Classification: Uncertain significance. Last evaluated: 2026-03-19. Review status: criteria provided, single submitter. Criteria: Ambry Variant Classification Scheme 2023. Collection method: clinical testing. Allele origin: germline.
Comment: The c.569G>A (p.C190Y) alteration is located in exon 6 (coding exon 5) of the NINL gene. This alteration results from a G to A substitution at nucleotide position 569, causing the cysteine (C) at amino acid position 190 to be replaced by a tyrosine (Y). Based on data from gnomAD, the A allele has an overall frequency of 0.021% (58/276870) total alleles studied. The highest observed frequency was 0.044% (55/125602) of European (non-Finnish) alleles. Based on insufficient or conflicting evidence, the clinical significance of this alteration remains unclear.

NM_025176.6(NINL):c.569G>A (p.Cys190Tyr)

Gene: NINL (ninein like; minus strand). Cytogenetic location: 20p11.21.
Variant type: single nucleotide variant.
Coding change: c.569G>A on transcript NM_025176.6 (MANE Select); coding-DNA position 569, G replaced by A.
Protein change: p.Cys190Tyr; replaces cysteine 190 with tyrosine.
Molecular consequence: missense variant.
Genome position (GRCh38, 1-based): chr20:25,505,027, C>T on the plus strand (G>A on the coding strand, the complement: NINL is on the minus strand). VCF-style: chr20-25505027-C-T. GRCh37 (hg19) VCF-style: chr20-25485663-C-T.
Other names: c.569G>A, p.Cys190Tyr (NM_001318226.2); short protein forms C190Y.
Identifiers: ClinVar variation 2355533 (VCV002355533.3), dbSNP rs138824564, ClinGen allele CA9798035.
Genomic context (GRCh38, chr20:25,505,027, plus strand): 5'-ACCCCCAGCTCTTCCCACACGCCCCGGATCTGGCTCTCTGGGGTGTCAAAGGAGGGGCTG[C>T]AGGACTTCTGGGGGCTCCCAAAGTCCTCAGAATCCCAGGTCTGCAGCTGTCCTGAAGCAA-3'
Protein context (NP_079452.3, residues 180-200): SEDFGSPQKS[Cys190Tyr]SPSFDTPESQ